The following is an entry in ClinVar:

NM_001378778.1(MPDZ):c.4469del (p.Gln1490fs)

Gene: MPDZ (multiple PDZ domain crumbs cell polarity complex component; minus strand). Cytogenetic location: 9p23.
Variant type: Deletion.
Coding change: c.4469del on transcript NM_001378778.1 (MANE Select); coding-DNA position 4469, one base deleted (A; older notation c.4469delA).
Protein change: p.Gln1490fs; shifts the reading frame from glutamine 1490.
Molecular consequence: frameshift variant.
Genome position (GRCh38, 1-based): chr9:13,126,768, T deleted on the plus strand (A on the coding strand, the reverse complement: MPDZ is on the minus strand). VCF-style (leftmost placement, unchanged base first): chr9-13126767-CT-C. GRCh37 (hg19) VCF-style: chr9-13126766-CT-C.
Other names: c.4061del, p.Gln1354fs (NM_001375427.1); c.4469del, p.Gln1490fs (NM_003829.5, NM_001330637.2); c.4469delA (NM_001330637.1, NM_003829.4); c.4370del, p.Gln1457fs (NM_001261406.2, NM_001261407.2, NM_001375416.1 and 3 more transcripts); c.4568del, p.Gln1523fs (NM_001375413.1); c.4259del, p.Gln1420fs (NM_001375420.1, NM_001375421.1, NM_001375422.1 and 4 more transcripts); short protein forms Q1490fs, Q1457fs, Q1354fs, Q1420fs, Q1523fs.
Identifiers: ClinVar variation 548147 (VCV000548147.16), dbSNP rs781251438, ClinGen allele CA4986686.

ClinVar aggregate classification (germline): Pathogenic/Likely pathogenic. Review status: criteria provided, multiple submitters, no conflicts (2 of 4 stars). 7 submissions from 7 submitters: Pathogenic (5); Likely pathogenic (1). 1 of the submissions does not count toward it. Last evaluated 2026-07-13.

Conditions:
MPDZ-related disorder. Also called: MPDZ-related condition.
Hydrocephalus, nonsyndromic, autosomal recessive 2. Also called: Hydrocephalus, congenital, 2, with or without brain or eye anomalies. Identifiers: Orphanet 2185, MedGen C3554691, MONDO:0014085, OMIM 615219.

Allele frequency attached by ClinVar (database versions not stated): gnomAD 0.00016 and 0.00015; ESP Exome Variant Server 0.00018; gnomAD exomes 0.00005 and 0.00006; ExAC 0.00006; TOPMed 0.00012; 1000 Genomes Project 30x 0.00016.

Submissions (7):

PreventionGenetics, part of Exact Sciences
Classification: Pathogenic for MPDZ-related condition. Last evaluated: 2026-07-13. Review status: criteria provided, single submitter. Criteria: ACMG Guidelines, 2015. Collection method: clinical testing. Allele origin: germline.
Comment: The MPDZ c.4469delA variant is predicted to result in a frameshift and premature protein termination (p.Gln1490Argfs*19). This variant has been reported in the homozygous state an individual with autosomal recessive MPDZ-related congenital hydrocephalus 2, with or without brain or eye anomalies (Shaheen et al. 2017. PubMed ID: 28556411). This variant is reported in 0.045% of alleles in individuals of African descent in gnomAD. Frameshift variants in MPDZ are expected to be pathogenic. This variant is interpreted as pathogenic.

Revvity Omics, Revvity
Classification: Likely pathogenic for Hydrocephalus, nonsyndromic, autosomal recessive 2. Last evaluated: 2024-01-04. Review status: criteria provided, single submitter. Criteria: ACMG Guidelines, 2015. Collection method: clinical testing. Allele origin: germline.

Labcorp Genetics (formerly Invitae), Labcorp
Classification: Pathogenic. Last evaluated: 2023-10-03. Review status: criteria provided, single submitter. Criteria: Invitae Variant Classification Sherloc (09022015). Collection method: clinical testing. Allele origin: germline.
Comment: This sequence change creates a premature translational stop signal (p.Gln1490Argfs*19) in the MPDZ gene. It is expected to result in an absent or disrupted protein product. Loss-of-function variants in MPDZ are known to be pathogenic (PMID: 23240096, 28556411). This variant is present in population databases (rs781251438, gnomAD 0.04%). This premature translational stop signal has been observed in individual(s) with autosomal recessive congenital hydrocephalus (PMID: 28556411). ClinVar contains an entry for this variant (Variation ID: 548147). For these reasons, this variant has been classified as Pathogenic.

GeneDx
Classification: Pathogenic. Last evaluated: 2022-07-13. Review status: criteria provided, single submitter. Criteria: GeneDx Variant Classification Process June 2021. Collection method: clinical testing. Allele origin: germline. Affected: yes.
Comment: Frameshift variant predicted to result in protein truncation or nonsense mediated decay in a gene for which loss-of-function is a known mechanism of disease; Not observed at a significant frequency in large population cohorts (gnomAD); This variant is associated with the following publications: (PMID: 28556411)

Victorian Clinical Genetics Services, Murdoch Childrens Research Institute
Classification: Pathogenic for Hydrocephalus, nonsyndromic, autosomal recessive 2. Last evaluated: 2022-02-02. Review status: criteria provided, single submitter. Criteria: ACMG Guidelines, 2015. Collection method: clinical testing. Allele origin: germline. Inheritance: Autosomal recessive inheritance.
Comment: Based on the classification scheme VCGS_Germline_v1.3.4, this variant is classified as Pathogenic. Following criteria are met: 0102 - Loss of function is a likely mechanism of disease in this gene and is associated with congenital hydrocephalus 2, with or without brain or eye anomalies (MIM#615219). (I) 0106 - This gene is associated with autosomal recessive disease. (I) 0201 - Variant is predicted to cause nonsense-mediated decay (NMD) and loss of protein (premature termination codon is located at least 54 nucleotides upstream of the final exon-exon junction). (SP) 0251 - This variant is heterozygous. (I) 0304 - Variant is present in gnomAD (v3) <0.01 for a recessive condition (23 heterozygotes, 0 homozygotes). (SP) 0701 - Other NMD-predicted variants comparable to the one identified in this case have very strong previous evidence for pathogenicity. These variants have been reported as pathogenic, and reported in multiple individuals with congenital hydrocephalus (DECIPHER, PMID: 28556411). (SP) 0803 - This variant has limited previous evidence of pathogenicity in an unrelated individual. This variant has been reported as pathogenic and observed in a homozygous individual with congenital hydrocephalus (ClinVar, PMID: 28556411). (SP) 0905 - No published segregation evidence has been identified for this variant. (I) 1007 - No published functional evidence has been identified for this variant. (I) 1208 - Inheritance information for this variant is not currently available in this individual. (I) Legend: (SP) - Supporting pathogenic, (I) - Information, (SB) - Supporting benign

Blueprint Genetics
Classification: Pathogenic for MPDZ-related disorders. Last evaluated: 2020-01-27. Review status: criteria provided, single submitter. Criteria: ACMG Guidelines, 2015. Collection method: clinical testing. Allele origin: germline. Affected: yes. Observed: 2 variant alleles.

OMIM
Classification: Pathogenic for HYDROCEPHALUS, CONGENITAL, 2, WITH BRAIN AND EYE ANOMALIES. Last evaluated: 2018-07-10. Review status: no assertion criteria provided. Collection method: literature only. Allele origin: germline. Not counted in ClinVar's aggregate classification.

Literature cited by the submitters: PubMed 23240096 (cited by Labcorp Genetics (formerly Invitae), Labcorp); PubMed 28556411 (cited by 3 submitters).